The following is an entry in ClinVar:

NM_001458.5(FLNC):c.234_235insTCGTATGCAGCTCGTATG (p.Ser78_Gln79insSerTyrAlaAlaArgMet)

Gene: FLNC (filamin C; plus strand). Cytogenetic location: 7q32.1.
Variant type: Insertion.
Coding change: c.234_235insTCGTATGCAGCTCGTATG on transcript NM_001458.5 (MANE Select); coding-DNA positions 234 to 235, TCGTATGCAGCTCGTATG inserted.
Protein change: p.Ser78_Gln79insSerTyrAlaAlaArgMet.
Molecular consequence: inframe insertion.
Genome position: GRCh38 VCF-style: chr7-128830871-C-CTCGTATGCAGCTCGTATG. GRCh37 (hg19) VCF-style: chr7-128470925-C-CTCGTATGCAGCTCGTATG.
Other names: c.234_235insTCGTATGCAGCTCGTATG, p.Ser78_Gln79insSerTyrAlaAlaArgMet (NM_001127487.2).
Identifiers: ClinVar variation 1499844 (VCV001499844.8), dbSNP rs2128932203, ClinGen allele CA2573141745.

ClinVar aggregate classification (germline): Uncertain significance (1 of 4 stars; one submission).

Conditions:
Myofibrillar myopathy 5. Also called: Filaminopathy (type); FILAMINOPATHY, AUTOSOMAL DOMINANT. Identifiers: Orphanet 171445, MedGen C1836050, MONDO:0012289, OMIM 609524.
Distal myopathy with posterior leg and anterior hand involvement. Also called: WILLIAMS DISTAL MYOPATHY. Identifiers: Orphanet 63273, MedGen C3279722, MONDO:0013550, OMIM 614065.
Hypertrophic cardiomyopathy 26. Also called: Cardiomyopathy, familial hypertrophic, 26. Identifiers: Orphanet 75249, MedGen C4310749, MONDO:0014883, OMIM 617047.

Submission:

Labcorp Genetics (formerly Invitae), Labcorp
Classification: Uncertain significance for Distal myopathy with posterior leg and anterior hand involvement; Myofibrillar myopathy 5; Hypertrophic cardiomyopathy 26. Last evaluated: 2022-09-13. Review status: criteria provided, single submitter. Criteria: Invitae Variant Classification Sherloc (09022015). Collection method: clinical testing. Allele origin: germline.
Comment: In summary, the available evidence is currently insufficient to determine the role of this variant in disease. Therefore, it has been classified as a Variant of Uncertain Significance. Algorithms developed to predict the effect of sequence changes on RNA splicing suggest that this variant may create or strengthen a splice site. This variant, c.234_235insTCGTATGCAGCTCGTATG, results in the insertion of 6 amino acid(s) of the FLNC protein (p.Ser78_Gln79insSerTyrAlaAlaArgMet), but otherwise preserves the integrity of the reading frame. This variant is not present in population databases (gnomAD no frequency). This variant has not been reported in the literature in individuals affected with FLNC-related conditions. ClinVar contains an entry for this variant (Variation ID: 1499844). Experimental studies and prediction algorithms are not available or were not evaluated, and the functional significance of this variant is currently unknown.